The following is an entry in ClinVar:

ClinVar aggregate classification (germline): Likely pathogenic (1 of 4 stars; one submission).

Conditions:
Familial cancer of breast. Also called: hereditary breast carcinoma; BREAST CANCER, FAMILIAL; Hereditary breast cancer. Identifiers: Orphanet 227535, MedGen C0346153, MONDO:0016419, OMIM 114480. Disease mechanism: loss of function.

Submission:

Myriad Genetics, Inc.
Classification: Likely pathogenic for Familial cancer of breast. Last evaluated: 2024-02-06. Review status: criteria provided, single submitter. Criteria: Myriad Autosomal Dominant, Autosomal Recessive and X-Linked Classification Criteria (2023). Collection method: clinical testing. Allele origin: unknown.
Comment: This variant is considered likely pathogenic. This variant creates a frameshift predicted to result in the incorporation of abnormal amino acid sequence into the protein product and abnormal protein elongation. This variant has been reported in multiple individuals with clinical features of gene-specific disease [PMID: 16266405, 25614872, 15039971, 21965147].

Literature cited by the submitters: PubMed 16266405; PubMed 25614872; PubMed 15039971; PubMed 21965147.

NM_000051.4(ATM):c.9108dup (p.Gln3037fs)

Genes: ATM (ATM serine/threonine kinase; plus strand), C11orf65 (chromosome 11 open reading frame 65; minus strand). Cytogenetic location: 11q22.3.
Variant type: Duplication.
Coding change: c.9108dup on transcript NM_000051.4 (MANE Select); coding-DNA position 9108, one base duplicated (A; older notation c.9108dupA).
Protein change: p.Gln3037fs; shifts the reading frame from glutamine 3037.
Molecular consequence: frameshift variant. On other transcripts: intron variant (2).
Genome position (GRCh38, 1-based): chr11:108,365,445, A duplicated. VCF-style (leftmost placement, unchanged base first): chr11-108365444-T-TA. GRCh37 (hg19) VCF-style: chr11-108236171-T-TA.
Other names: c.9108dup, p.Gln3037fs (NM_001351834.2); c.640+20475dup (NM_001330368.2); c.694+20475dup (NM_001351110.2); short protein forms Q3037fs.
Identifiers: ClinVar variation 3147982 (VCV003147982.1), dbSNP rs2547686280, ClinGen allele CA2825001993.